The following is an entry in ClinVar:

NM_003872.3(NRP2):c.2180G>A (p.Gly727Glu)

Gene: NRP2 (neuropilin 2; plus strand). Cytogenetic location: 2q33.3.
Variant type: single nucleotide variant.
Coding change: c.2180G>A on transcript NM_003872.3 (MANE Select); coding-DNA position 2180, G replaced by A.
Protein change: p.Gly727Glu; replaces glycine 727 with glutamic acid.
Molecular consequence: missense variant.
Genome position (GRCh38, 1-based): chr2:205,763,809, G>A. VCF-style: chr2-205763809-G-A. GRCh37 (hg19) VCF-style: chr2-206628533-G-A.
Other names: c.2180G>A, p.Gly727Glu (NM_201279.2, NM_018534.4, NM_201266.2 and 1 more transcripts); short protein forms G727E.
Identifiers: ClinVar variation 5001569 (VCV005001569.1).

ClinVar aggregate classification (germline): Uncertain significance (1 of 4 stars; one submission).

Conditions:
NRP2-related disorder. Also called: NRP2-related condition.

Submission:

PreventionGenetics, part of Exact Sciences
Classification: Uncertain significance for NRP2-related condition. Last evaluated: 2025-03-19. Review status: criteria provided, single submitter. Criteria: ACMG Guidelines, 2015. Collection method: clinical testing. Allele origin: germline.
Comment: The NRP2 c.2180G>A variant is predicted to result in the amino acid substitution p.Gly727Glu. To our knowledge, this variant has not been reported in the literature or in a large population database (gnomAD), indicating this variant is rare. At this time, the clinical significance of this variant is uncertain due to the absence of conclusive functional and genetic evidence.